The following is an entry in ClinVar:

NM_001211.6(BUB1B):c.1811A>C (p.Asn604Thr)

Gene: BUB1B (BUB1 mitotic checkpoint serine/threonine kinase B; plus strand). Cytogenetic location: 15q15.1.
Variant type: single nucleotide variant.
Coding change: c.1811A>C on transcript NM_001211.6 (MANE Select); coding-DNA position 1811, A replaced by C.
Protein change: p.Asn604Thr; replaces asparagine 604 with threonine.
Molecular consequence: missense variant.
Genome position (GRCh38, 1-based): chr15:40,206,260, A>C. VCF-style: chr15-40206260-A-C. GRCh37 (hg19) VCF-style: chr15-40498461-A-C.
Other names: short protein forms N604T.
Identifiers: ClinVar variation 4599872 (VCV004599872.1).

ClinVar aggregate classification (germline): Uncertain significance (1 of 4 stars; one submission).

Conditions:
Inborn genetic diseases. Identifiers: MedGen C0950123, MeSH D030342.

Submission:

Ambry Genetics
Classification: Uncertain significance for Inborn genetic diseases. Last evaluated: 2025-11-15. Review status: criteria provided, single submitter. Criteria: Ambry Variant Classification Scheme 2023. Collection method: clinical testing. Allele origin: germline.
Comment: The p.N604T variant (also known as c.1811A>C), located in coding exon 15 of the BUB1B gene, results from an A to C substitution at nucleotide position 1811. The asparagine at codon 604 is replaced by threonine, an amino acid with similar properties. This amino acid position is conserved. In addition, this alteration is predicted to be tolerated by in silico analysis. Based on the available evidence, the clinical significance of this variant remains unclear.